The following is an entry in ClinVar:

NM_005996.4(TBX3):c.1392G>A (p.Val464=)

Gene: TBX3 (T-box transcription factor 3; minus strand). Cytogenetic location: 12q24.21.
Variant type: single nucleotide variant.
Coding change: c.1392G>A on transcript NM_005996.4 (MANE Select); coding-DNA position 1392, G replaced by A.
Protein change: p.Val464=; no amino-acid change (valine 464 retained).
Molecular consequence: synonymous variant.
Genome position (GRCh38, 1-based): chr12:114,674,483, C>T on the plus strand (G>A on the coding strand, the complement: TBX3 is on the minus strand). VCF-style: chr12-114674483-C-T. GRCh37 (hg19) VCF-style: chr12-115112288-C-T.
Other names: c.1452G>A, p.Val484= (NM_016569.4); c.1452G>A (NM_016569.3).
Identifiers: ClinVar variation 767524 (VCV000767524.11), dbSNP rs1362129103, ClinGen allele CA482136342.

ClinVar aggregate classification (germline): Likely benign. Review status: criteria provided, single submitter (1 of 4 stars). 2 submissions from 2 submitters: Likely benign (1). 1 of the submissions does not count toward it. Last evaluated 2025-12-14.

Conditions:
TBX3-related disorder. Also called: TBX3-related condition.
Ulnar-mammary syndrome (UMS). Also called: SCHINZEL SYNDROME; Ulnar-mammary syndrome of Pallister; PALLISTER ULNAR-MAMMARY SYNDROME. Identifiers: Orphanet 3138, MedGen C1866994, MONDO:0008411, OMIM 181450.

Allele frequency attached by ClinVar (database versions not stated): gnomAD 0.00001; gnomAD exomes 0.00001 and 0.00002; TOPMed 0.00001.

Submissions (2):

Labcorp Genetics (formerly Invitae), Labcorp
Classification: Likely benign for Ulnar-mammary syndrome. Last evaluated: 2025-12-14. Review status: criteria provided, single submitter. Criteria: Invitae Variant Classification Sherloc (09022015). Collection method: clinical testing. Allele origin: germline.

PreventionGenetics, part of Exact Sciences
Classification: Likely benign for TBX3-related condition. Last evaluated: 2024-06-26. Review status: no assertion criteria provided. Collection method: clinical testing. Allele origin: germline. Not counted in ClinVar's aggregate classification.
Comment: This variant is classified as likely benign based on ACMG/AMP sequence variant interpretation guidelines (Richards et al. 2015 PMID: 25741868, with internal and published modifications).